The following is an entry in ClinVar:

NM_001256789.3(CACNA1F):c.1505G>A (p.Arg502Gln)

Gene: CACNA1F (calcium voltage-gated channel subunit alpha1 F; minus strand). Cytogenetic location: Xp11.23.
Variant type: single nucleotide variant.
Coding change: c.1505G>A on transcript NM_001256789.3 (MANE Select); coding-DNA position 1505, G replaced by A.
Protein change: p.Arg502Gln; replaces arginine 502 with glutamine.
Molecular consequence: missense variant.
Genome position (GRCh38, 1-based): chrX:49,226,055, C>T on the plus strand (G>A on the coding strand, the complement: CACNA1F is on the minus strand). VCF-style: chrX-49226055-C-T. GRCh37 (hg19) VCF-style: chrX-49082517-C-T.
Other names: c.1343G>A, p.Arg448Gln (NM_001256790.3); c.1538G>A, p.Arg513Gln (NM_005183.4); short protein forms R502Q, R513Q, R448Q.
Identifiers: ClinVar variation 1366850 (VCV001366850.6), dbSNP rs1468488300, ClinGen allele CA412916658.

ClinVar aggregate classification (germline): Uncertain significance (1 of 4 stars; one submission).

Allele frequency attached by ClinVar (database versions not stated): gnomAD exomes 0.00001; TOPMed 0.00001.
gnomAD v4.1: 4 of 1,187,240 alleles (0.00034%); highest among the groups gnomAD compares: South Asian, 0.0055%; no homozygotes.

Submission:

Labcorp Genetics (formerly Invitae), Labcorp
Classification: Uncertain significance. Last evaluated: 2022-07-25. Review status: criteria provided, single submitter. Criteria: Invitae Variant Classification Sherloc (09022015). Collection method: clinical testing. Allele origin: germline.
Comment: This variant has not been reported in the literature in individuals affected with CACNA1F-related conditions. The frequency data for this variant in the population databases is considered unreliable, as metrics indicate poor data quality at this position in the gnomAD database. This sequence change replaces arginine, which is basic and polar, with glutamine, which is neutral and polar, at codon 513 of the CACNA1F protein (p.Arg513Gln). ClinVar contains an entry for this variant (Variation ID: 1366850). In summary, the available evidence is currently insufficient to determine the role of this variant in disease. Therefore, it has been classified as a Variant of Uncertain Significance. Algorithms developed to predict the effect of missense changes on protein structure and function are either unavailable or do not agree on the potential impact of this missense change (SIFT: "Tolerated"; PolyPhen-2: "Possibly Damaging"; Align-GVGD: "Class C0").